The following is an entry in ClinVar:

ClinVar aggregate classification (germline): Likely benign. Review status: criteria provided, multiple submitters, no conflicts (2 of 4 stars). 2 submissions from 2 submitters: Likely benign (2). Last evaluated 2024-01-31.

Allele frequency attached by ClinVar (database versions not stated): gnomAD exomes 0.00001; ExAC 0.00002; gnomAD 0.00002 and 0.00003; TOPMed 0.00004; 1000 Genomes Project 30x 0.00016; 1000 Genomes Project 0.00020.
gnomAD v4.1: 16 of 1,613,546 alleles (0.00099%); highest among the groups gnomAD compares: Middle Eastern, 0.017%; no homozygotes.

Submissions (2):

Labcorp Genetics (formerly Invitae), Labcorp
Classification: Likely benign. Last evaluated: 2024-01-31. Review status: criteria provided, single submitter. Criteria: Invitae Variant Classification Sherloc (09022015). Collection method: clinical testing. Allele origin: germline.

Laboratory for Molecular Medicine, Mass General Brigham Personalized Medicine
Classification: Likely benign. Last evaluated: 2016-10-13. Review status: criteria provided, single submitter. Criteria: LMM Criteria. Collection method: clinical testing. Allele origin: germline. Observed: 1 variant allele.
Comment: p.Ala726Ala in exon 22 of TMC1: This variant is not expected to have clinical si gnificance because it does not alter an amino acid residue and is not located wi thin the splice consensus sequence. It has been identified in 1/66350 European c hromosomes and in 1/16482 South Asian chromosomes by the Exome Aggregation Conso rtium (ExAC; dbSNP rs555517698).

NM_138691.3(TMC1):c.2178G>A (p.Ala726=)

Gene: TMC1 (transmembrane channel like 1; plus strand). Cytogenetic location: 9q21.13.
Variant type: single nucleotide variant.
Coding change: c.2178G>A on transcript NM_138691.3 (MANE Select); coding-DNA position 2178, G replaced by A.
Protein change: p.Ala726=; no amino-acid change (alanine 726 retained).
Molecular consequence: synonymous variant.
Genome position (GRCh38, 1-based): chr9:72,830,499, G>A. VCF-style: chr9-72830499-G-A. GRCh37 (hg19) VCF-style: chr9-75445415-G-A.
Identifiers: ClinVar variation 505348 (VCV000505348.8), dbSNP rs555517698, ClinGen allele CA5082170.
Genomic context (GRCh38, chr9:72,830,499, plus strand): 5'-TTTTTAATTTAGTTTGGCCATCTATTATCTCAATGCTACTGCCAAGGGCCAGAAGGCAGC[G>A]AATCTGGATCTCAAAAAGAAGATGAAAATGGTATGATACAATTTATTTCATAGAAATATT-3'
Protein context (NP_619636.2, residues 716-736): LNATAKGQKA[Ala726=]NLDLKKKMKM